The following is an entry in ClinVar:

NM_001005242.3(PKP2):c.2247del (p.Ser750fs)

Gene: PKP2 (plakophilin 2; minus strand). Cytogenetic location: 12p11.21.
Variant type: Deletion.
Coding change: c.2247del on transcript NM_001005242.3 (MANE Select); coding-DNA position 2247, one base deleted (C; older notation c.2247delC).
Protein change: p.Ser750fs; shifts the reading frame from serine 750.
Molecular consequence: frameshift variant.
Genome position (GRCh38, 1-based): chr12:32,796,219, G deleted on the plus strand (C on the coding strand, the reverse complement: PKP2 is on the minus strand); the first of 2 consecutive G bases (chr12:32,796,219-32,796,220); deleting either gives the same sequence. VCF-style (leftmost placement, unchanged base first): chr12-32796218-AG-A. GRCh37 (hg19) VCF-style: chr12-32949152-AG-A.
Other names: c.2379del, p.Ser794fs (NM_004572.4); short protein forms S750fs, S794fs.
Identifiers: ClinVar variation 1691753 (VCV001691753.27), dbSNP rs2137708500, ClinGen allele CA2573148573.
Genomic context (GRCh38, chr12:32,796,218, plus strand): 5'-GAAGGTCGCGTGCATTCTGGTAACTGTTTTGGATTATGTTGTTCAATGTGTAACAGGCAG[AG>A]GCTGTAGTTTCAATGAGAAGGTCAGTACTCGGGACTGTGTCAGGAATGATGGAAACCAAA-3'

ClinVar aggregate classification (germline): Pathogenic/Likely pathogenic. Review status: criteria provided, multiple submitters, no conflicts (2 of 4 stars). 2 submissions from 2 submitters: Pathogenic (1); Likely pathogenic (1). Last evaluated 2025-12-01.

Submissions (2):

GeneDx
Classification: Likely pathogenic. Last evaluated: 2025-12-01. Review status: criteria provided, single submitter. Criteria: GeneDx Variant Classification Process June 2021. Collection method: clinical testing. Allele origin: germline. Affected: yes.
Comment: Has not been previously published as pathogenic or benign to our knowledge; Not observed at significant frequency in large population cohorts (gnomAD); Frameshift variant predicted to result in protein truncation or nonsense mediated decay in a gene for which loss-of-function is a known mechanism of disease

CeGaT Center for Human Genetics Tuebingen
Classification: Pathogenic. Last evaluated: 2023-09-01. Review status: criteria provided, single submitter. Criteria: CeGaT Center For Human Genetics Tuebingen Variant Classification Criteria Version 2. Collection method: clinical testing. Allele origin: germline. Affected: yes. Observed: 2 variant alleles.
Comment: PKP2: PVS1, PM2